The following is an entry in ClinVar:

ClinVar aggregate classification (germline): Likely pathogenic (1 of 4 stars; one submission).

Conditions:
Severe combined immunodeficiency due to LCK deficiency. Also called: Immunodeficiency 22. Identifiers: Orphanet 280142, MedGen C4014233, MONDO:0014334, OMIM 615758.

Submission:

Pittsburgh Clinical Genomics Laboratory, University of Pittsburgh Medical Center
Classification: Likely pathogenic for Severe combined immunodeficiency due to LCK deficiency. Last evaluated: 2024-05-06. Review status: criteria provided, single submitter. Criteria: ACMG Guidelines, 2015. Collection method: clinical testing. Allele origin: germline. Inheritance: Autosomal recessive inheritance. Affected: yes.
Comment: This sequence variant is a single nucleotide substitution (C>A) at position 1515 of the coding sequence of the LCK gene that creates a premature termination signal at what would have been the Tyr505 codon. This variant is expected to generate a truncated protein lacking the final 6 amino acids. In particular, this variant will ablate the tyrosine at position 505 which is phosphorylated to contribute to the conformation and activity of the LCK-encoded LCK proto-oncogene, Src family tyrosine kinase. When phosphorylated, Tyr505 inactivates the LCK proto-oncogene, Src family tyrosine kinase by mediating the interaction of the amino and carboxyl terminals, which fold the protein into a closed state (PMID: 9325251, 28096507, 36910149). This is a novel variant which is absent from ClinVar, the gnomAD v4.1.0 population database (0 of 152,242 alleles), and, to the best of our knowledge, the clinical literature. While studies examining the functional consequence of this variant have not been published, LCK proteins which are phosphorylation-deficient remain in the open state and are subject to increased rates of degradation (PMID: 11904433). Based on these findings, we consider this a likely pathogenic variant. ACMG Criteria: PM2, PVS1

Literature cited by the submitters: PubMed 36910149; PubMed 11904433; PubMed 28096507; PubMed 9325251.

NM_005356.5(LCK):c.1515C>A (p.Tyr505Ter)

Gene: LCK (LCK proto-oncogene, Src family tyrosine kinase; plus strand). Cytogenetic location: 1p35.2.
Variant type: single nucleotide variant.
Coding change: c.1515C>A on transcript NM_005356.5 (MANE Select); coding-DNA position 1515, C replaced by A.
Protein change: p.Tyr505Ter; replaces tyrosine 505 with a stop codon.
Molecular consequence: nonsense.
Genome position (GRCh38, 1-based): chr1:32,285,701, C>A. VCF-style: chr1-32285701-C-A. GRCh37 (hg19) VCF-style: chr1-32751302-C-A.
Other names: c.1515C>A, p.Tyr505Ter (NM_001042771.3); c.1362C>A, p.Tyr454Ter (NM_001330468.2); short protein forms Y454*, Y505*.
Identifiers: ClinVar variation 3376436 (VCV003376436.1).